The following is an entry in ClinVar:

NM_152564.5(VPS13B):c.347C>G (p.Thr116Arg)

Gene: VPS13B (vacuolar protein sorting 13 homolog B; plus strand). Cytogenetic location: 8q22.2.
Variant type: single nucleotide variant.
Coding change: c.347C>G on transcript NM_152564.5 (MANE Select); coding-DNA position 347, C replaced by G.
Protein change: p.Thr116Arg; replaces threonine 116 with arginine.
Molecular consequence: missense variant. On other transcripts: non-coding transcript variant (1).
Genome position (GRCh38, 1-based): chr8:99,096,367, C>G. VCF-style: chr8-99096367-C-G. GRCh37 (hg19) VCF-style: chr8-100108595-C-G.
Other names: c.347C>G (NM_152564.4, NM_017890.3); c.347C>G, p.Thr116Arg (NM_015243.3, NM_017890.5, NM_181661.3); short protein forms T116R.
Identifiers: ClinVar variation 860005 (VCV000860005.7), dbSNP rs762421764, ClinGen allele CA371858126.

ClinVar aggregate classification (germline): Uncertain significance. Review status: criteria provided, multiple submitters, no conflicts (2 of 4 stars). 5 submissions from 5 submitters: Uncertain significance (4). 1 of the submissions does not count toward it. Last evaluated 2025-07-21.

Conditions:
Inborn genetic diseases. Identifiers: MedGen C0950123, MeSH D030342.
Cohen syndrome (COH1). Also called: PEPPER SYNDROME; Cutis verticis gyrata, retinitis pigmentosa, and sensorineural deafness. Identifiers: Orphanet 193, MedGen C0265223, MONDO:0008999, OMIM 216550.
VPS13B-related disorder. Also called: VPS13B-related condition.

Allele frequency attached by ClinVar (database versions not stated): gnomAD 0.00007 and 0.00008; TOPMed 0.00024.
gnomAD v4.1: 26 of 1,613,940 alleles (0.0016%); highest among the groups gnomAD compares: Admixed American, 0.023%; no homozygotes.

Submissions (5):

PreventionGenetics, part of Exact Sciences
Classification: Uncertain significance for VPS13B-related condition. Last evaluated: 2025-07-21. Review status: criteria provided, single submitter. Criteria: ACMG Guidelines, 2015. Collection method: clinical testing. Allele origin: germline.
Comment: The VPS13B c.347C>G variant is predicted to result in the amino acid substitution p.Thr116Arg. To our knowledge, this variant has not been reported in the literature. This variant is reported in 0.0056% of alleles in individuals of Latino descent in gnomAD. At this time, the clinical significance of this variant is uncertain due to the absence of conclusive functional and genetic evidence.

Ambry Genetics
Classification: Uncertain significance for Inborn genetic diseases. Last evaluated: 2023-11-15. Review status: criteria provided, single submitter. Criteria: Ambry Variant Classification Scheme 2023. Collection method: clinical testing. Allele origin: germline.

Labcorp Genetics (formerly Invitae), Labcorp
Classification: Uncertain significance for Cohen syndrome. Last evaluated: 2022-10-17. Review status: criteria provided, single submitter. Criteria: Invitae Variant Classification Sherloc (09022015). Collection method: clinical testing. Allele origin: germline.
Comment: This sequence change replaces threonine, which is neutral and polar, with arginine, which is basic and polar, at codon 116 of the VPS13B protein (p.Thr116Arg). This variant is present in population databases (no rsID available, gnomAD 0.006%). This variant has not been reported in the literature in individuals affected with VPS13B-related conditions. ClinVar contains an entry for this variant (Variation ID: 860005). Advanced modeling of protein sequence and biophysical properties (such as structural, functional, and spatial information, amino acid conservation, physicochemical variation, residue mobility, and thermodynamic stability) performed at Invitae indicates that this missense variant is not expected to disrupt VPS13B protein function. In summary, the available evidence is currently insufficient to determine the role of this variant in disease. Therefore, it has been classified as a Variant of Uncertain Significance.

Blueprint Genetics
Classification: Uncertain significance. Last evaluated: 2021-09-20. Review status: criteria provided, single submitter. Criteria: ACMG Guidelines, 2015. Collection method: clinical testing. Allele origin: germline.

Natera, Inc.
Classification: Uncertain significance for Cohen syndrome. Last evaluated: 2020-01-24. Review status: no assertion criteria provided. Collection method: clinical testing. Allele origin: germline. Not counted in ClinVar's aggregate classification.